The following is an entry in ClinVar:

ClinVar aggregate classification (germline): Uncertain significance. Review status: criteria provided, multiple submitters, no conflicts (2 of 4 stars). 2 submissions from 2 submitters: Uncertain significance (2). Last evaluated 2025-03-10.

Conditions:
Inborn genetic diseases. Identifiers: MedGen C0950123, MeSH D030342.
Menkes kinky-hair syndrome (MNK). Also called: Menkes Disease; Copper transport disease; Classic Menkes Disease. Identifiers: Orphanet 565, MedGen C0022716, MONDO:0010651, OMIM 309400.
Cutis laxa, X-linked (OHS). Also called: EDS IX; Occipital horn syndrome. Identifiers: Orphanet 198, MedGen C0268353, MONDO:0010572, OMIM 304150.
X-linked distal spinal muscular atrophy type 3. Also called: ATP7A-Related Distal Motor Neuropathy; NEURONOPATHY, DISTAL HEREDITARY MOTOR, X-LINKED; NEUROPATHY, DISTAL HEREDITARY MOTOR, X-LINKED; SPINAL MUSCULAR ATROPHY, DISTAL, X-LINKED RECESSIVE. Identifiers: Orphanet 139557, MedGen C1845359, MONDO:0010338, OMIM 300489.

Submissions (2):

Labcorp Genetics (formerly Invitae), Labcorp
Classification: Uncertain significance for X-linked distal spinal muscular atrophy type 3; Cutis laxa, X-linked; Menkes kinky-hair syndrome. Last evaluated: 2025-03-10. Review status: criteria provided, single submitter. Criteria: Invitae Variant Classification Sherloc (09022015). Collection method: clinical testing. Allele origin: germline.
Comment: This sequence change replaces tyrosine, which is neutral and polar, with phenylalanine, which is neutral and non-polar, at codon 736 of the ATP7A protein (p.Tyr736Phe). This variant is not present in population databases (gnomAD no frequency). This variant has not been reported in the literature in individuals affected with ATP7A-related conditions. ClinVar contains an entry for this variant (Variation ID: 589266). Invitae Evidence Modeling of protein sequence and biophysical properties (such as structural, functional, and spatial information, amino acid conservation, physicochemical variation, residue mobility, and thermodynamic stability) indicates that this missense variant is not expected to disrupt ATP7A protein function with a negative predictive value of 95%. In summary, the available evidence is currently insufficient to determine the role of this variant in disease. Therefore, it has been classified as a Variant of Uncertain Significance.

Ambry Genetics
Classification: Uncertain significance for Inborn genetic diseases. Last evaluated: 2016-06-02. Review status: criteria provided, single submitter. Criteria: Ambry Variant Classification Scheme 2023. Collection method: clinical testing. Allele origin: germline.
Comment: The p.Y736F variant (also known as c.2207A>T), located in coding exon 9 of the ATP7A gene, results from an A to T substitution at nucleotide position 2207. The tyrosine at codon 736 is replaced by phenylalanine, an amino acid with highly similar properties. This variant was not reported in population based cohorts in the following databases: Database of Single Nucleotide Polymorphisms (dbSNP), NHLBI Exome Sequencing Project (ESP), and 1000 Genomes Project. In the ESP, this variant was not observed in 6499 samples with coverage at this position. This amino acid position is highly conserved in available vertebrate species. In addition, the in silico prediction for this alteration is inconclusive. Since supporting evidence is limited at this time, the clinical significance of this alteration remains unclear.

NM_000052.7(ATP7A):c.2207A>T (p.Tyr736Phe)

Gene: ATP7A (ATPase copper transporting alpha; plus strand). Cytogenetic location: Xq21.1.
Variant type: single nucleotide variant.
Coding change: c.2207A>T on transcript NM_000052.7 (MANE Select); coding-DNA position 2207, A replaced by T.
Protein change: p.Tyr736Phe; replaces tyrosine 736 with phenylalanine.
Molecular consequence: missense variant. On other transcripts: intron variant (1).
Genome position (GRCh38, 1-based): chrX:78,012,913, A>T. VCF-style: chrX-78012913-A-T. GRCh37 (hg19) VCF-style: chrX-77268410-A-T.
Other names: c.2172+1239A>T (NM_001282224.2); short protein forms Y736F.
Identifiers: ClinVar variation 589266 (VCV000589266.52), dbSNP rs1569549929, ClinGen allele CA413598671.